The following is an entry in ClinVar:

ClinVar aggregate classification (germline): Uncertain significance (1 of 4 stars; one submission).

Conditions:
Hereditary cancer-predisposing syndrome. Also called: Neoplastic Syndromes, Hereditary; Tumor predisposition; Hereditary Cancer Syndrome; Hereditary neoplastic syndrome. Identifiers: Orphanet 140162, MedGen C0027672, MeSH D009386, MONDO:0015356.

Submission:

Ambry Genetics
Classification: Uncertain significance for Hereditary cancer-predisposing syndrome. Last evaluated: 2024-07-05. Review status: criteria provided, single submitter. Criteria: Ambry Variant Classification Scheme 2023. Collection method: clinical testing. Allele origin: germline.
Comment: The p.A254P variant (also known as c.760G>C), located in coding exon 3 of the PHOX2B gene, results from a G to C substitution at nucleotide position 760. The alanine at codon 254 is replaced by proline, an amino acid with highly similar properties. This amino acid position is conserved. In addition, the in silico prediction for this alteration is inconclusive. Based on the available evidence, the clinical significance of this variant remains unclear.

NM_003924.4(PHOX2B):c.760G>C (p.Ala254Pro)

Genes: PHOX2B (paired like homeobox 2B; minus strand), LOC110011216 (paired like homeobox 2b polyalanine repeat instability region; plus strand). Cytogenetic location: 4p13.
Variant type: single nucleotide variant.
Coding change: c.760G>C on transcript NM_003924.4 (MANE Select); coding-DNA position 760, G replaced by C.
Protein change: p.Ala254Pro; replaces alanine 254 with proline.
Molecular consequence: missense variant.
Genome position (GRCh38, 1-based): chr4:41,745,992, C>G on the plus strand (G>C on the coding strand, the complement: PHOX2B is on the minus strand). VCF-style: chr4-41745992-C-G. GRCh37 (hg19) VCF-style: chr4-41748009-C-G.
Other names: short protein forms A254P.
Identifiers: ClinVar variation 3417932 (VCV003417932.1).